The following is an entry in ClinVar:

ClinVar aggregate classification (germline): Uncertain significance (1 of 4 stars; one submission).

Conditions:
Nephronophthisis 14 (NPHP14). Identifiers: Orphanet 2318, MedGen C3539071, MONDO:0013916, OMIM 614844.

gnomAD v4.1: 1 of 1,613,990 alleles (0.000062%); highest among the groups gnomAD compares: Non-Finnish European, 0.000085%; no homozygotes.

Submission:

Labcorp Genetics (formerly Invitae), Labcorp
Classification: Uncertain significance for Nephronophthisis 14. Last evaluated: 2020-07-01. Review status: criteria provided, single submitter. Criteria: Invitae Variant Classification Sherloc (09022015). Collection method: clinical testing. Allele origin: germline.
Comment: This sequence change replaces glutamic acid with aspartic acid at codon 255 of the ZNF423 protein (p.Glu255Asp). The glutamic acid residue is moderately conserved and there is a small physicochemical difference between glutamic acid and aspartic acid. This variant is not present in population databases (ExAC no frequency). This variant has not been reported in the literature in individuals with ZNF423-related conditions. Algorithms developed to predict the effect of missense changes on protein structure and function (SIFT, PolyPhen-2, Align-GVGD) all suggest that this variant is likely to be tolerated, but these predictions have not been confirmed by published functional studies and their clinical significance is uncertain. In summary, the available evidence is currently insufficient to determine the role of this variant in disease. Therefore, it has been classified as a Variant of Uncertain Significance.

NM_001379286.1(ZNF423):c.789G>T (p.Glu263Asp)

Gene: ZNF423 (zinc finger protein 423; minus strand). Cytogenetic location: 16q12.1.
Variant type: single nucleotide variant.
Coding change: c.789G>T on transcript NM_001379286.1 (MANE Select); coding-DNA position 789, G replaced by T.
Protein change: p.Glu263Asp; replaces glutamic acid 263 with aspartic acid.
Molecular consequence: missense variant.
Genome position (GRCh38, 1-based): chr16:49,638,387, C>A on the plus strand (G>T on the coding strand, the complement: ZNF423 is on the minus strand). VCF-style: chr16-49638387-C-A. GRCh37 (hg19) VCF-style: chr16-49672298-C-A.
Other names: c.585G>T, p.Glu195Asp (NM_001271620.2); c.414G>T, p.Glu138Asp (NM_001330533.2); c.765G>T, p.Glu255Asp (NM_015069.5); short protein forms E138D, E195D, E255D, E263D.
Identifiers: ClinVar variation 1021463 (VCV001021463.8), dbSNP rs767856376, ClinGen allele CA395851470.